The following is an entry in ClinVar:

ClinVar aggregate classification (germline): Uncertain significance (1 of 4 stars; one submission).

Conditions:
Baller-Gerold syndrome (BGS). Also called: CRANIOSYNOSTOSIS WITH RADIAL DEFECTS. Identifiers: Orphanet 1225, MedGen C0265308, MONDO:0009039, OMIM 218600.

Allele frequency attached by ClinVar (database versions not stated): gnomAD exomes below 0.00001.
gnomAD v4.1: 1 of 1,237,900 alleles (0.000081%); highest among the groups gnomAD compares: South Asian, 0.0029%; no homozygotes.

Submission:

Labcorp Genetics (formerly Invitae), Labcorp
Classification: Uncertain significance for Baller-Gerold syndrome. Last evaluated: 2023-06-29. Review status: criteria provided, single submitter. Criteria: Invitae Variant Classification Sherloc (09022015). Collection method: clinical testing. Allele origin: germline.
Comment: In summary, the available evidence is currently insufficient to determine the role of this variant in disease. Therefore, it has been classified as a Variant of Uncertain Significance. Experimental studies and prediction algorithms are not available or were not evaluated, and the functional significance of this variant is currently unknown. ClinVar contains an entry for this variant (Variation ID: 1481006). This variant has not been reported in the literature in individuals affected with RECQL4-related conditions. This variant is not present in population databases (gnomAD no frequency). This sequence change replaces glutamic acid, which is acidic and polar, with glycine, which is neutral and non-polar, at codon 2 of the RECQL4 protein (p.Glu2Gly).

NM_004260.4(RECQL4):c.5A>G (p.Glu2Gly)

Genes: RECQL4 (RecQ like helicase 4; minus strand), LOC130001411 (ATAC-STARR-seq lymphoblastoid silent region 19699; plus strand). Cytogenetic location: 8q24.3.
Variant type: single nucleotide variant.
Coding change: c.5A>G on transcript NM_004260.4 (MANE Select); coding-DNA position 5, A replaced by G.
Protein change: p.Glu2Gly; replaces glutamic acid 2 with glycine.
Molecular consequence: missense variant.
Genome position (GRCh38, 1-based): chr8:144,517,780, T>C on the plus strand (A>G on the coding strand, the complement: RECQL4 is on the minus strand). VCF-style: chr8-144517780-T-C. GRCh37 (hg19) VCF-style: chr8-145743164-T-C.
Other names: short protein forms E2G.
Identifiers: ClinVar variation 1481006 (VCV001481006.6), dbSNP rs2130746663, ClinGen allele CA372694029.